The following is an entry in ClinVar:

NM_003119.4(SPG7):c.416_432del (p.Arg139fs)

Gene: SPG7 (SPG7 matrix AAA peptidase subunit, paraplegin; plus strand). Cytogenetic location: 16q24.3.
Variant type: Deletion.
Coding change: c.416_432del on transcript NM_003119.4 (MANE Select); coding-DNA positions 416 to 432, 17 bases deleted (GAGAGCGGCTGCGCACC).
Protein change: p.Arg139fs; shifts the reading frame from arginine 139.
Molecular consequence: frameshift variant.
Genome position (GRCh38, 1-based): chr16:89,524,045-89,524,061, GAGAGCGGCTGCGCACC deleted; deleting any 17 consecutive bases within chr16:89,524,042-89,524,061 gives the same sequence; the c. name uses the placement nearest the transcript's 3' end. VCF-style (leftmost placement, unchanged base first): chr16-89524041-TACCGAGAGCGGCTGCGC-T. GRCh37 (hg19) VCF-style: chr16-89590449-TACCGAGAGCGGCTGCGC-T.
Other names: c.416_432del, p.Arg139fs (NM_001363850.1, NM_199367.3); short protein forms R139fs.
Identifiers: ClinVar variation 426963 (VCV000426963.2), dbSNP rs1085307874, ClinGen allele CA645294093.
Genomic context (GRCh38, chr16:89,524,041, plus strand): 5'-CCCTTTTGCTTCTCTGCCGGCTCAGAGGAGAGGAGACGCCGTGAGCGGGACGACCAGATG[TACCGAGAGCGGCTGCGC>T]ACCTTGCTGGTCATCGCGGTTGTCATGAGCCTCCTGAATGCTCTCAGCACCAGCGGAGGC-3'

ClinVar aggregate classification (germline): Pathogenic (1 of 4 stars; one submission).

Submission:

GeneDx
Classification: Pathogenic. Last evaluated: 2017-03-20. Review status: criteria provided, single submitter. Criteria: GeneDx Variant Classification (06012015). Collection method: clinical testing. Allele origin: germline. Affected: yes.
Comment: The c.416_432del17 pathogenic variant in the SPG7 gene causes a frameshift starting with codon Arginine 139, changes this amino acid to a Leucine residue and creates a premature Stop codon at position 44 of the new reading frame, denoted p.Arg139LeufsX44. This pathogenic variant is predicted to cause loss of normal protein function either through protein truncation or nonsense-mediated mRNA decay. Furthermore, the c.416_432del17 variant is not observed in large population cohorts (Lek et al., 2016; 1000 Genomes Consortium et al., 2015; Exome Variant Server). Although this pathogenic variant has not been previously reported to our knowledge, other truncating variants in the SPG7 gene have been reported in association with spastic paraplegia (Stenson et al., 2014). Therefore, c.416_432del17 is considered a pathogenic variant.